The following is an entry in ClinVar:

ClinVar aggregate classification (germline): Conflicting classifications of pathogenicity. Review status: criteria provided, conflicting classifications (1 of 4 stars). 5 submissions from 5 submitters: Uncertain significance (1); Likely benign (3). 1 of the submissions does not count toward it. Last evaluated 2025-06-12.

Conditions:
VCAN-related disorder. Also called: VCAN-related condition.

Allele frequency attached by ClinVar (database versions not stated): gnomAD exomes 0.00008; ExAC 0.00009; gnomAD 0.00015 and 0.00016; TOPMed 0.00031.
gnomAD v4.1: 125 of 1,614,054 alleles (0.0077%); highest among the groups gnomAD compares: Middle Eastern, 0.049%; no homozygotes.

Submissions (5):

Labcorp Genetics (formerly Invitae), Labcorp
Classification: Likely benign. Last evaluated: 2025-06-12. Review status: criteria provided, single submitter. Criteria: Invitae Variant Classification Sherloc (09022015). Collection method: clinical testing. Allele origin: germline.

Blueprint Genetics
Classification: Likely benign. Last evaluated: 2024-09-12. Review status: criteria provided, single submitter. Criteria: ACMG Guidelines, 2015. Collection method: clinical testing. Allele origin: germline.

CeGaT Center for Human Genetics Tuebingen
Classification: Likely benign. Last evaluated: 2022-12-01. Review status: criteria provided, single submitter. Criteria: CeGaT Center For Human Genetics Tuebingen Variant Classification Criteria Version 2. Collection method: clinical testing. Allele origin: germline. Affected: yes. Observed: 1 variant allele.
Comment: VCAN: BP4, BP7

Eurofins Ntd Llc (ga)
Classification: Uncertain significance. Last evaluated: 2014-01-29. Review status: criteria provided, single submitter. Criteria: EGL Classification Definitions 2015. Collection method: clinical testing. Allele origin: germline. Observed: 1 variant allele, 1 heterozygote.

PreventionGenetics, part of Exact Sciences
Classification: Likely benign for VCAN-related condition. Last evaluated: 2021-09-17. Review status: no assertion criteria provided. Collection method: clinical testing. Allele origin: germline. Not counted in ClinVar's aggregate classification.
Comment: This variant is classified as likely benign based on ACMG/AMP sequence variant interpretation guidelines (Richards et al. 2015 PMID: 25741868, with internal and published modifications).

NM_004385.5(VCAN):c.7065C>T (p.Ile2355=)

Genes: VCAN (versican; plus strand), VCAN-AS1 (VCAN antisense RNA 1; minus strand). Cytogenetic location: 5q14.3.
Variant type: single nucleotide variant.
Coding change: c.7065C>T on transcript NM_004385.5 (MANE Select); coding-DNA position 7065, C replaced by T.
Protein change: p.Ile2355=; no amino-acid change (isoleucine 2355 retained).
Molecular consequence: synonymous variant. On other transcripts: intron variant (2).
Genome position (GRCh38, 1-based): chr5:83,540,068, C>T. VCF-style: chr5-83540068-C-T. GRCh37 (hg19) VCF-style: chr5-82835887-C-T.
Other names: c.4104C>T, p.Ile1368= (NM_001164097.2); c.4004-5469C>T (NM_001164098.2); c.1043-5469C>T (NM_001126336.3).
Identifiers: ClinVar variation 167826 (VCV000167826.42), dbSNP rs727504214, ClinGen allele CA235201.
Genomic context (GRCh38, chr5:83,540,068, plus strand): 5'-TTTAAGTGACACTGGAGCAGAAGGACCCACGGTGGCACCTCTCCCTTTCTCCACGGACAT[C>T]GGACATCCTCAAAATCAGACTGTCAGGTGGGCAGAAGAAATCCAGACTAGTAGACCACAA-3'
Protein context (NP_004376.2, residues 2345-2365): TVAPLPFSTD[Ile2355=]GHPQNQTVRW